The following is an entry in ClinVar:

ClinVar aggregate classification (germline): Likely benign. Review status: criteria provided, multiple submitters, no conflicts (2 of 4 stars). 4 submissions from 3 submitters: Likely benign (4). Last evaluated 2023-11-04.

Conditions:
Retinitis pigmentosa 39 (RP39). Identifiers: Orphanet 791, MedGen C3151138, MONDO:0013436, OMIM 613809.
Usher syndrome type 2A. Also called: RETINAL DISEASE IN USHER SYNDROME TYPE IIA, MODIFIER OF; USHER SYNDROME, TYPE IIA. Identifiers: Orphanet 231178, Orphanet 886, MedGen C1848634, MONDO:0010169, OMIM 276901.

gnomAD v4.1: 1 of 1,614,136 alleles (0.000062%); no homozygotes.

Submissions (4):

Genome-Nilou Lab
Classification: Likely benign for Retinitis pigmentosa 39. Last evaluated: 2023-11-04. Review status: criteria provided, single submitter. Criteria: ACMG Guidelines, 2015. Collection method: clinical testing. Allele origin: germline. Affected: no.

Genome-Nilou Lab
Classification: Likely benign for Usher syndrome type 2A. Last evaluated: 2023-11-04. Review status: criteria provided, single submitter. Criteria: ACMG Guidelines, 2015. Collection method: clinical testing. Allele origin: germline. Affected: no.

Labcorp Genetics (formerly Invitae), Labcorp
Classification: Likely benign. Last evaluated: 2022-11-23. Review status: criteria provided, single submitter. Criteria: Invitae Variant Classification Sherloc (09022015). Collection method: clinical testing. Allele origin: germline.

Laboratory for Molecular Medicine, Mass General Brigham Personalized Medicine
Classification: Likely benign. Last evaluated: 2014-08-13. Review status: criteria provided, single submitter. Criteria: LMM Criteria. Collection method: clinical testing. Allele origin: germline. Observed: 1 variant allele.
Comment: Leu1556Leu in exon 22 of USH2A: This variant is not expected to have clinical si gnificance because it does not alter an amino acid residue and is not located wi thin the splice consensus sequence.

NM_206933.4(USH2A):c.4668G>A (p.Leu1556=)

Gene: USH2A (usherin; minus strand). Cytogenetic location: 1q41.
Variant type: single nucleotide variant.
Coding change: c.4668G>A on transcript NM_206933.4 (MANE Select); coding-DNA position 4668, G replaced by A.
Protein change: p.Leu1556=; no amino-acid change (leucine 1556 retained).
Molecular consequence: synonymous variant.
Genome position (GRCh38, 1-based): chr1:216,097,173, C>T on the plus strand (G>A on the coding strand, the complement: USH2A is on the minus strand). VCF-style: chr1-216097173-C-T. GRCh37 (hg19) VCF-style: chr1-216270515-C-T.
Identifiers: ClinVar variation 166501 (VCV000166501.13), dbSNP rs727503729, ClinGen allele CA179561.